The following is an entry in ClinVar:

NM_144499.3(GNAT1):c.574T>C (p.Phe192Leu)

Gene: GNAT1 (G protein subunit alpha transducin 1; plus strand). Cytogenetic location: 3p21.31.
Variant type: single nucleotide variant.
Coding change: c.574T>C on transcript NM_144499.3 (MANE Select); coding-DNA position 574, T replaced by C.
Protein change: p.Phe192Leu; replaces phenylalanine 192 with leucine.
Molecular consequence: missense variant.
Genome position (GRCh38, 1-based): chr3:50,193,877, T>C. VCF-style: chr3-50193877-T-C. GRCh37 (hg19) VCF-style: chr3-50231310-T-C.
Other names: c.574T>C (NM_144499.2); c.574T>C, p.Phe192Leu (NM_000172.4); short protein forms F192L.
Identifiers: ClinVar variation 1525766 (VCV001525766.7), dbSNP rs1042087188, ClinGen allele CA74601487.

ClinVar aggregate classification (germline): Uncertain significance. Review status: criteria provided, multiple submitters, no conflicts (2 of 4 stars). 2 submissions from 2 submitters: Uncertain significance (2). Last evaluated 2025-07-07.

Conditions:
Inborn genetic diseases. Identifiers: MedGen C0950123, MeSH D030342.

Allele frequency attached by ClinVar (database versions not stated): gnomAD exomes 0.00001 and 0.00002; TOPMed 0.00001.
gnomAD v4.1: 22 of 1,613,290 alleles (0.0014%); highest among the groups gnomAD compares: Middle Eastern, 0.016%; no homozygotes.

Submissions (2):

Labcorp Genetics (formerly Invitae), Labcorp
Classification: Uncertain significance. Last evaluated: 2025-07-07. Review status: criteria provided, single submitter. Criteria: Invitae Variant Classification Sherloc (09022015). Collection method: clinical testing. Allele origin: germline.
Comment: This sequence change replaces phenylalanine, which is neutral and non-polar, with leucine, which is neutral and non-polar, at codon 192 of the GNAT1 protein (p.Phe192Leu). This variant is present in population databases (no rsID available, gnomAD 0.006%). This variant has not been reported in the literature in individuals affected with GNAT1-related conditions. ClinVar contains an entry for this variant (Variation ID: 1525766). Invitae Evidence Modeling of protein sequence and biophysical properties (such as structural, functional, and spatial information, amino acid conservation, physicochemical variation, residue mobility, and thermodynamic stability) indicates that this missense variant is not expected to disrupt GNAT1 protein function with a negative predictive value of 80%. In summary, the available evidence is currently insufficient to determine the role of this variant in disease. Therefore, it has been classified as a Variant of Uncertain Significance.

Ambry Genetics
Classification: Uncertain significance for Inborn genetic diseases. Last evaluated: 2025-02-08. Review status: criteria provided, single submitter. Criteria: Ambry Variant Classification Scheme 2023. Collection method: clinical testing. Allele origin: germline.